The following is an entry in ClinVar:

NM_002655.3(PLAG1):c.308G>A (p.Arg103Gln)

Genes: PLAG1 (PLAG1 zinc finger; minus strand), LOC126860395 (BRD4-independent group 4 enhancer GRCh37_chr8:57079228-57080427; plus strand). Cytogenetic location: 8q12.1.
Variant type: single nucleotide variant.
Coding change: c.308G>A on transcript NM_002655.3 (MANE Select); coding-DNA position 308, G replaced by A.
Protein change: p.Arg103Gln; replaces arginine 103 with glutamine.
Molecular consequence: missense variant.
Genome position (GRCh38, 1-based): chr8:56,167,438, C>T on the plus strand (G>A on the coding strand, the complement: PLAG1 is on the minus strand). VCF-style: chr8-56167438-C-T. GRCh37 (hg19) VCF-style: chr8-57079997-C-T.
Other names: c.308G>A, p.Arg103Gln (NM_001114634.2); c.62G>A, p.Arg21Gln (NM_001114635.2); short protein forms R103Q, R21Q.
Identifiers: ClinVar variation 3602363 (VCV003602363.1).
Genomic context (GRCh38, chr8:56,167,438, plus strand): 5'-CACTTAAACGTCTCTTTGTTAGGGTCGTGTGTATGGAGGTGATTCTTCAGATGATCTTTC[C>T]GGTGAAACATTTTCTCACAATAATTACACTTGTGGGTTTTCTCAGGAGAATGAGTAGCCA-3'
Protein context (NP_002646.2, residues 93-113): KCNYCEKMFH[Arg103Gln]KDHLKNHLHT

ClinVar aggregate classification (germline): Uncertain significance (1 of 4 stars; one submission).

gnomAD v4.1: 2 of 1,612,866 alleles (0.00012%); highest among the groups gnomAD compares: Non-Finnish European, 0.000085%; no homozygotes.

Submission:

GeneDx
Classification: Uncertain significance. Last evaluated: 2024-07-30. Review status: criteria provided, single submitter. Criteria: GeneDx Variant Classification Process June 2021. Collection method: clinical testing. Allele origin: germline. Affected: yes.
Comment: In silico analysis supports that this missense variant has a deleterious effect on protein structure/function; Has not been previously published as pathogenic or benign to our knowledge